The following is an entry in ClinVar:

ClinVar aggregate classification (germline): Conflicting classifications of pathogenicity. Review status: criteria provided, conflicting classifications (1 of 4 stars). 8 submissions from 8 submitters: Uncertain significance (5); Likely benign (1). 2 of the submissions do not count toward it. Last evaluated 2025-12-15.

Conditions:
Familial cancer of breast. Also called: Hereditary breast cancer; hereditary breast carcinoma; BREAST CANCER, FAMILIAL. Identifiers: Orphanet 227535, MedGen C0346153, MONDO:0016419, OMIM 114480. Disease mechanism: loss of function.
Breast-ovarian cancer, familial, susceptibility to, 1 (BROVCA1). Also called: OVARIAN CANCER, SUSCEPTIBILITY TO; BRCA1 Hereditary Breast and Ovarian Cancer. Identifiers: Orphanet 145, MedGen C2676676, MONDO:0011450, OMIM 604370. Disease mechanism: loss of function.
Fanconi anemia, complementation group S (FANCS). Identifiers: MedGen C4554406, MONDO:0054748, OMIM 617883.
Hereditary cancer-predisposing syndrome. Also called: Tumor predisposition; Neoplastic Syndromes, Hereditary; Hereditary Cancer Syndrome; Hereditary neoplastic syndrome. Identifiers: Orphanet 140162, MedGen C0027672, MeSH D009386, MONDO:0015356.
Hereditary breast ovarian cancer syndrome. Also called: Hereditary breast and ovarian cancer syndrome (HBOC); Hereditary breast and ovarian cancer syndrome; Hereditary breast and ovarian cancer; Hereditary breast and/or ovarian cancer syndrome; Breast and ovarian cancer; BRCA1- and BRCA2-Associated Hereditary Breast and Ovarian Cancer. Identifiers: Orphanet 145, MedGen C0677776, MeSH D061325, MONDO:0003582. Disease mechanism: loss of function.

Allele frequency attached by ClinVar (database versions not stated): TOPMed below 0.00001.
gnomAD v4.1: 1 of 1,614,086 alleles (0.000062%); highest among the groups gnomAD compares: African/African-American, 0.0013%; no homozygotes.

Submissions (8):

Labcorp Genetics (formerly Invitae), Labcorp
Classification: Uncertain significance for Hereditary breast ovarian cancer syndrome. Last evaluated: 2025-12-15. Review status: criteria provided, single submitter. Criteria: Invitae Variant Classification Sherloc (09022015). Collection method: clinical testing. Allele origin: germline.
Comment: This sequence change replaces glutamic acid, which is acidic and polar, with alanine, which is neutral and non-polar, at codon 761 of the BRCA1 protein (p.Glu761Ala). This variant is not present in population databases (gnomAD no frequency). This variant has not been reported in the literature in individuals affected with BRCA1-related conditions. ClinVar contains an entry for this variant (Variation ID: 54520). Invitae Evidence Modeling of protein sequence and biophysical properties (such as structural, functional, and spatial information, amino acid conservation, physicochemical variation, residue mobility, and thermodynamic stability) indicates that this missense variant is not expected to disrupt BRCA1 protein function with a negative predictive value of 80%. In summary, the available evidence is currently insufficient to determine the role of this variant in disease. Therefore, it has been classified as a Variant of Uncertain Significance.

Ambry Genetics
Classification: Uncertain significance for Hereditary cancer-predisposing syndrome. Last evaluated: 2025-07-28. Review status: criteria provided, single submitter. Criteria: Ambry Variant Classification Scheme 2023. Collection method: clinical testing. Allele origin: germline.
Comment: The p.E761A variant (also known as c.2282A>C), located in coding exon 9 of the BRCA1 gene, results from an A to C substitution at nucleotide position 2282. The glutamic acid at codon 761 is replaced by alanine, an amino acid with dissimilar properties. This amino acid position is not well conserved in available vertebrate species. In addition, the in silico prediction for this alteration is inconclusive. Since supporting evidence is limited at this time, the clinical significance of this alteration remains unclear.

Department of Pathology and Laboratory Medicine, Sinai Health System
Classification: Uncertain significance for Familial cancer of breast; Breast-ovarian cancer, familial, susceptibility to, 1; Fanconi anemia, complementation group S. Last evaluated: 2023-10-30. Review status: criteria provided, single submitter. Criteria: ACMG Guidelines, 2015. Collection method: clinical testing. Allele origin: germline. Affected: yes.

University of Washington Department of Laboratory Medicine, University of Washington
Classification: Likely benign for Hereditary cancer-predisposing syndrome. Last evaluated: 2023-03-23. Review status: criteria provided, single submitter. Criteria: Dines et al. (Genet Med. 2020). Collection method: curation. Allele origin: germline.
Comment: Missense variant in a coldspot region where missense variants are very unlikely to be pathogenic (PMID:31911673).

BRCA1 coldspot (exon 11 using historical exon numbering). Reclassification based on statistical prior probability

GeneDx
Classification: Uncertain significance. Last evaluated: 2020-10-21. Review status: criteria provided, single submitter. Criteria: GeneDx Variant Classification Process June 2021. Collection method: clinical testing. Allele origin: germline. Affected: yes.
Comment: Not observed in large population cohorts (Lek 2016); In silico analysis supports that this missense variant has a deleterious effect on protein structure/function; Has not been previously published as pathogenic or benign to our knowledge

Color Diagnostics, LLC DBA Color Health
Classification: Uncertain significance for Hereditary cancer-predisposing syndrome. Last evaluated: 2019-04-06. Review status: criteria provided, single submitter. Criteria: ACMG Guidelines, 2015. Collection method: clinical testing. Allele origin: germline.

KCCC/NGS Laboratory, Kuwait Cancer Control Center
Classification: Uncertain significance for Breast-ovarian cancer, familial, susceptibility to, 1. Last evaluated: 2023-05-05. Review status: no assertion criteria provided. Collection method: clinical testing. Allele origin: germline. Affected: yes. Not counted in ClinVar's aggregate classification.
Comment: a variant of uncertain significance was detected in the BRCA1 gene (c.2282A>C).The p.Glu761Alavariant (also known as c.2282A>C), located in coding exon 10 (NM_007300.3) of the BRCA1 gene, results from an A to C substitution at nucleotide position 2282. The glutamic acid at codon 761 is replaced by alanine, an amino acid with dissimilar properties. This amino acid position is not well conserved (PhyloP=0.39) .This variant does not have a gnomAD exomes entry, but its locus is covered in gnomAD exomes. ClinVar contains an entry for this variant (Variation ID: 54520). In addition, this alteration is predicted to be tolerated by in silico analysis.In summary, the available evidence is currently insufficient to determine the role of this variant in disease. Therefore, it has been classified as a Variant of Uncertain Significance.

Breast Cancer Information Core (BIC) (BRCA1)
Classification: Uncertain significance for Breast-ovarian cancer, familial 1. Last evaluated: 2004-11-25. Review status: no assertion criteria provided. Collection method: clinical testing. Allele origin: germline. Affected: yes. Observed: 1 variant allele. Not counted in ClinVar's aggregate classification.

Literature cited by the submitters: PubMed 20104584 (cited by KCCC/NGS Laboratory, Kuwait Cancer Control Center).

NM_007294.4(BRCA1):c.2282A>C (p.Glu761Ala)

Gene: BRCA1 (BRCA1 DNA repair associated; minus strand). Cytogenetic location: 17q21.31.
Variant type: single nucleotide variant.
Coding change: c.2282A>C on transcript NM_007294.4 (MANE Select); coding-DNA position 2282, A replaced by C.
Protein change: p.Glu761Ala; replaces glutamic acid 761 with alanine.
Molecular consequence: missense variant. On other transcripts: intron variant (137).
Genome position (GRCh38, 1-based): chr17:43,093,249, T>G on the plus strand (A>C on the coding strand, the complement: BRCA1 is on the minus strand). VCF-style: chr17-43093249-T-G. GRCh37 (hg19) VCF-style: chr17-41245266-T-G.
Other names: c.2273A>C, p.Glu758Ala (NM_001407647.1, NM_001407646.1); c.2159A>C, p.Glu720Ala (NM_001407648.1, NM_001407664.1, NM_001407665.1 and 19 more transcripts); c.2156A>C, p.Glu719Ala (NM_001407649.1, NM_001407670.1, NM_001407671.1 and 11 more transcripts); c.2282A>C, p.Glu761Ala (NM_001407652.1, NM_001407684.1, NM_001407854.1 and 30 more transcripts); c.2204A>C, p.Glu735Ala (NM_001407653.1, NM_001407654.1, NM_001407655.1 and 4 more transcripts); c.2201A>C, p.Glu734Ala (NM_001407659.1, NM_001407660.1, NM_001407661.1 and 1 more transcripts); c.2141A>C, p.Glu714Ala (NM_001407692.1, NM_001407694.1, NM_001407695.1 and 29 more transcripts); c.2138A>C, p.Glu713Ala (NM_001407740.1, NM_001407741.1, NM_001407742.1 and 20 more transcripts); and 42 more; short protein forms E761A, E714A, E693A, E694A, E719A, E735A, E650A, E593A.
Identifiers: ClinVar variation 54520 (VCV000054520.28), dbSNP rs80356869, ClinGen allele CA001522.